The following is an entry in ClinVar:

NM_016059.5(PPIL1):c.349G>A (p.Ala117Thr)

Gene: PPIL1 (peptidylprolyl isomerase like 1; minus strand). Cytogenetic location: 6p21.2.
Variant type: single nucleotide variant.
Coding change: c.349G>A on transcript NM_016059.5 (MANE Select); coding-DNA position 349, G replaced by A.
Protein change: p.Ala117Thr; replaces alanine 117 with threonine.
Molecular consequence: missense variant.
Genome position (GRCh38, 1-based): chr6:36,855,965, C>T on the plus strand (G>A on the coding strand, the complement: PPIL1 is on the minus strand). VCF-style: chr6-36855965-C-T. GRCh37 (hg19) VCF-style: chr6-36823741-C-T.
Other names: short protein forms A117T.
Identifiers: ClinVar variation 2500348 (VCV002500348.1), dbSNP rs568130003, ClinGen allele CA3781429.
Genomic context (GRCh38, chr6:36,855,965, plus strand): 5'-CTATGCCCTGACACACTCGGCCAAAAATGGTGTGTTTGCCGTCAAGCCACTGGGTGGGGG[C>T]GAGGGTCACAAAGAACTGGCTGCCATTGGTATCTGGCCCCGCATTGGCCATTGCGAGAAT-3'
Protein context (NP_057143.1, residues 107-127): TNGSQFFVTL[Ala117Thr]PTQWLDGKHT

ClinVar aggregate classification (germline): Uncertain significance (1 of 4 stars; one submission).

Conditions:
Pontocerebellar hypoplasia, type 14. Identifiers: Orphanet 613274, MedGen C5543322, MONDO:0030258, OMIM 619301.

Allele frequency attached by ClinVar (database versions not stated): TOPMed 0.00003; gnomAD 0.00008; 1000 Genomes Project 30x 0.00016; 1000 Genomes Project 0.00020; gnomAD exomes 0.00021; ExAC 0.00036.
gnomAD v4.1: 317 of 1,614,124 alleles (0.02%); highest among the groups gnomAD compares: South Asian, 0.28%; no homozygotes.

Submission:

Institute of Human Genetics, University of Leipzig Medical Center
Classification: Uncertain significance for Pontocerebellar hypoplasia, type 14. Last evaluated: 2023-03-03. Review status: criteria provided, single submitter. Criteria: ACMG Guidelines, 2015. Collection method: clinical testing. Allele origin: unknown. Affected: yes.
Comment: This variant was identified as compound heterozygous with NM_016059.5:c.350C>A._x000D_ Criteria applied: PM2_SUP